The following is an entry in ClinVar:

ClinVar aggregate classification (germline): Pathogenic/Likely pathogenic. Review status: criteria provided, multiple submitters, no conflicts (2 of 4 stars). 3 submissions from 3 submitters: Pathogenic (1); Likely pathogenic (2). Last evaluated 2023-07-25.

Conditions:
Recessive dystrophic epidermolysis bullosa (RDEB). Also called: DYSTROPHIC EPIDERMOLYSIS BULLOSA, AUTOSOMAL RECESSIVE; EPIDERMOLYSIS BULLOSA DYSTROPHICA, HALLOPEAU-SIEMENS TYPE; Recessive DEB (RDEB); Hallopeau-Siemens Disease; epidermolysis bullosa dystrophica, autosomal recessive; EPIDERMOLYSIS BULLOSA DYSTROPHICA, GENERALIZED SEVERE, AUTOSOMAL RECESSIVE. Identifiers: Orphanet 79408, Orphanet 79409, MedGen C0079474, MONDO:0009179, OMIM 226600.
COL7A1-related disorder. Also called: COL7A1- related disorders; COL7A1-related condition.

Submissions (3):

Blueprint Genetics
Classification: Likely pathogenic for COL7A1-related disorders. Last evaluated: 2023-07-25. Review status: criteria provided, single submitter. Criteria: ACMG Guidelines, 2015. Collection method: clinical testing. Allele origin: germline. Affected: yes. Observed: 1 variant allele.

Labcorp Genetics (formerly Invitae), Labcorp
Classification: Pathogenic. Last evaluated: 2023-06-10. Review status: criteria provided, single submitter. Criteria: Invitae Variant Classification Sherloc (09022015). Collection method: clinical testing. Allele origin: germline.
Comment: For these reasons, this variant has been classified as Pathogenic. This variant has not been reported in the literature in individuals affected with COL7A1-related conditions. This variant is not present in population databases (gnomAD no frequency). This sequence change creates a premature translational stop signal (p.Lys1556Argfs*154) in the COL7A1 gene. It is expected to result in an absent or disrupted protein product. Loss-of-function variants in COL7A1 are known to be pathogenic (PMID: 16971478).

Molecular Genetics Department, Kulakov National Medical Research Center for Obstetrics, Gynecology and Perinatology
Classification: Likely pathogenic for Recessive dystrophic epidermolysis bullosa. Review status: criteria provided, single submitter. Criteria: ACMG Guidelines, 2015. Collection method: clinical testing. Allele origin: germline. Affected: yes.
Comment: A previously undescribed nucleotide variant creates a frameshift p.Lys1556fs in the COL7A1 gene. Homozygous and compound heterozygous variants are reported in patients with epidermolysis bullosa. The variant is not present in population database (gnomAD no frequency). In summary, the currently available evidence indicates that the variant is pathogenic, but additional data are needed to prove that conclusively. Therefore, this variant has been classified as likely pathogenic.

Literature cited by the submitters: PubMed 16971478 (cited by Labcorp Genetics (formerly Invitae), Labcorp).

NM_000094.4(COL7A1):c.4667del (p.Lys1556fs)

Gene: COL7A1 (collagen type VII alpha 1 chain; minus strand). Cytogenetic location: 3p21.31.
Variant type: Deletion.
Coding change: c.4667del on transcript NM_000094.4 (MANE Select); coding-DNA position 4667, one base deleted (A; older notation c.4667delA).
Protein change: p.Lys1556fs; shifts the reading frame from lysine 1556.
Molecular consequence: frameshift variant.
Genome position (GRCh38, 1-based): chr3:48,581,912, T deleted on the plus strand (A on the coding strand, the reverse complement: COL7A1 is on the minus strand); the first of 4 consecutive T bases (chr3:48,581,912-48,581,915); deleting any one gives the same sequence. VCF-style (leftmost placement, unchanged base first): chr3-48581911-CT-C. GRCh37 (hg19) VCF-style: chr3-48619344-CT-C.
Other names: short protein forms K1556fs.
Identifiers: ClinVar variation 2707677 (VCV002707677.5), dbSNP rs2531113955, ClinGen allele CA2697550917.